The following is an entry in ClinVar:

ClinVar aggregate classification (germline): Uncertain significance (1 of 4 stars; one submission).

Conditions:
Hereditary cancer-predisposing syndrome. Also called: Tumor predisposition; Neoplastic Syndromes, Hereditary; Hereditary Cancer Syndrome; Hereditary neoplastic syndrome. Identifiers: Orphanet 140162, MedGen C0027672, MeSH D009386, MONDO:0015356.

Allele frequency attached by ClinVar (database versions not stated): gnomAD exomes below 0.00001.
gnomAD v4.1: 1 of 1,613,720 alleles (0.000062%); highest among the groups gnomAD compares: Non-Finnish European, 0.000085%; no homozygotes.

Submission:

Ambry Genetics
Classification: Uncertain significance for Hereditary cancer-predisposing syndrome. Last evaluated: 2022-10-27. Review status: criteria provided, single submitter. Criteria: Ambry Variant Classification Scheme 2023. Collection method: clinical testing. Allele origin: germline.
Comment: The p.A1052S variant (also known as c.3154G>T) is located in coding exon 21 of the ATM gene. The alanine at codon 1052 is replaced by serine, an amino acid with similar properties. This change occurs in the first base pair of coding exon 21. This amino acid position is conserved. In addition, this alteration is predicted to be tolerated by in silico analysis. Since supporting evidence is limited at this time, the clinical significance of this alteration remains unclear.

NM_000051.4(ATM):c.3154G>T (p.Ala1052Ser)

Gene: ATM (ATM serine/threonine kinase; plus strand). Cytogenetic location: 11q22.3.
Variant type: single nucleotide variant.
Coding change: c.3154G>T on transcript NM_000051.4 (MANE Select); coding-DNA position 3154, G replaced by T.
Protein change: p.Ala1052Ser; replaces alanine 1052 with serine.
Molecular consequence: missense variant.
Genome position (GRCh38, 1-based): chr11:108,272,722, G>T. VCF-style: chr11-108272722-G-T. GRCh37 (hg19) VCF-style: chr11-108143449-G-T.
Other names: c.3154G>T, p.Ala1052Ser (NM_001351834.2); short protein forms A1052S.
Identifiers: ClinVar variation 1728224 (VCV001728224.2), dbSNP rs1064793036, ClinGen allele CA382515479.